The following is an entry in ClinVar:

ClinVar aggregate classification (germline): Uncertain significance (1 of 4 stars; one submission).

Allele frequency attached by ClinVar (database versions not stated): gnomAD exomes below 0.00001 and 0.00002.
gnomAD v4.1: 25 of 1,611,032 alleles (0.0016%); highest among the groups gnomAD compares: Non-Finnish European, 0.0021%; no homozygotes.

Submission:

Labcorp Genetics (formerly Invitae), Labcorp
Classification: Uncertain significance. Last evaluated: 2019-12-06. Review status: criteria provided, single submitter. Criteria: Invitae Variant Classification Sherloc (09022015). Collection method: clinical testing. Allele origin: germline.
Comment: In summary, the available evidence is currently insufficient to determine the role of this variant in disease. Therefore, it has been classified as a Variant of Uncertain Significance. Nucleotide substitutions within the consensus splice site are a relatively common cause of aberrant splicing (PMID: 17576681, 9536098). Algorithms developed to predict the effect of sequence changes on RNA splicing suggest that this variant is not likely to affect RNA splicing, but this prediction has not been confirmed by published transcriptional studies. This variant has not been reported in the literature in individuals with DRAM2-related conditions. This variant is not present in population databases (ExAC no frequency). This sequence change falls in intron 7 of the DRAM2 gene. It does not directly change the encoded amino acid sequence of the DRAM2 protein, but it affects a nucleotide within the consensus splice site of the intron.

Literature cited by the submitters: PubMed 17576681; PubMed 9536098.

NM_001349884.2(DRAM2):c.600+6A>T

Gene: DRAM2 (DNA damage regulated autophagy modulator 2; minus strand). Cytogenetic location: 1p13.3.
Variant type: single nucleotide variant.
Coding change: c.600+6A>T on transcript NM_001349884.2 (MANE Select); 6 bases into the intron after coding-DNA position 600, A replaced by T.
Molecular consequence: intron variant.
Genome position (GRCh38, 1-based): chr1:111,119,871, T>A on the plus strand (A>T on the coding strand, the complement: DRAM2 is on the minus strand). VCF-style: chr1-111119871-T-A. GRCh37 (hg19) VCF-style: chr1-111662493-T-A.
Other names: c.600+6A>T (NM_001349885.2, NM_178454.6, NM_001349882.2 and 1 more transcripts); c.210+6A>T (NM_001349889.2, NM_001349890.2, NM_001349891.2 and 2 more transcripts); c.330+6A>T (NM_001349887.2, NM_001349886.2, NM_001349888.2).
Identifiers: ClinVar variation 851651 (VCV000851651.9), dbSNP rs1406759401, ClinGen allele CA525492877.